The following is an entry in ClinVar:

ClinVar aggregate classification (germline): Uncertain significance (1 of 4 stars; one submission).

Conditions:
Nephronophthisis. Also called: Juvenile Nephronophthisis. Identifiers: Orphanet 655, MedGen C0687120, MONDO:0019005, HP:0000090.

Submission:

Labcorp Genetics (formerly Invitae), Labcorp
Classification: Uncertain significance for Nephronophthisis. Last evaluated: 2024-01-17. Review status: criteria provided, single submitter. Criteria: Invitae Variant Classification Sherloc (09022015). Collection method: clinical testing. Allele origin: germline.
Comment: This sequence change replaces arginine, which is basic and polar, with proline, which is neutral and non-polar, at codon 682 of the NPHP4 protein (p.Arg682Pro). This variant is not present in population databases (gnomAD no frequency). This variant has not been reported in the literature in individuals affected with NPHP4-related conditions. ClinVar contains an entry for this variant (Variation ID: 1354145). Advanced modeling of protein sequence and biophysical properties (such as structural, functional, and spatial information, amino acid conservation, physicochemical variation, residue mobility, and thermodynamic stability) has been performed at Invitae for this missense variant, however the output from this modeling did not meet the statistical confidence thresholds required to predict the impact of this variant on NPHP4 protein function. In summary, the available evidence is currently insufficient to determine the role of this variant in disease. Therefore, it has been classified as a Variant of Uncertain Significance.

NM_015102.5(NPHP4):c.2045G>C (p.Arg682Pro)

Gene: NPHP4 (nephrocystin 4; minus strand). Cytogenetic location: 1p36.31.
Variant type: single nucleotide variant.
Coding change: c.2045G>C on transcript NM_015102.5 (MANE Select); coding-DNA position 2045, G replaced by C.
Protein change: p.Arg682Pro; replaces arginine 682 with proline.
Molecular consequence: missense variant. On other transcripts: non-coding transcript variant (1).
Genome position (GRCh38, 1-based): chr1:5,904,715, C>G on the plus strand (G>C on the coding strand, the complement: NPHP4 is on the minus strand). VCF-style: chr1-5904715-C-G. GRCh37 (hg19) VCF-style: chr1-5964775-C-G.
Other names: c.506G>C, p.Arg169Pro (NM_001291593.2); c.509G>C, p.Arg170Pro (NM_001291594.2); short protein forms R170P, R169P, R682P.
Identifiers: ClinVar variation 1354145 (VCV001354145.6), dbSNP rs543023683, ClinGen allele CA338053534.